The following is an entry in ClinVar:

ClinVar aggregate classification (germline): Uncertain significance (1 of 4 stars; one submission).

Conditions:
Primary ciliary dyskinesia. Also called: Ciliary dyskinesia. Identifiers: Orphanet 244, MedGen C0008780, MONDO:0016575, HP:0012265.

Submission:

Labcorp Genetics (formerly Invitae), Labcorp
Classification: Uncertain significance for Primary ciliary dyskinesia. Last evaluated: 2025-02-03. Review status: criteria provided, single submitter. Criteria: Invitae Variant Classification Sherloc (09022015). Collection method: clinical testing. Allele origin: germline.
Comment: This sequence change replaces leucine, which is neutral and non-polar, with tryptophan, which is neutral and slightly polar, at codon 3024 of the DNAH5 protein (p.Leu3024Trp). This variant is not present in population databases (gnomAD no frequency). This variant has not been reported in the literature in individuals affected with DNAH5-related conditions. ClinVar contains an entry for this variant (Variation ID: 2058799). Invitae Evidence Modeling of protein sequence and biophysical properties (such as structural, functional, and spatial information, amino acid conservation, physicochemical variation, residue mobility, and thermodynamic stability) has been performed for this missense variant. However, the output from this modeling did not meet the statistical confidence thresholds required to predict the impact of this variant on DNAH5 protein function. In summary, the available evidence is currently insufficient to determine the role of this variant in disease. Therefore, it has been classified as a Variant of Uncertain Significance.

NM_001369.3(DNAH5):c.9071T>G (p.Leu3024Trp)

Gene: DNAH5 (dynein axonemal heavy chain 5; minus strand). Cytogenetic location: 5p15.2.
Variant type: single nucleotide variant.
Coding change: c.9071T>G on transcript NM_001369.3 (MANE Select); coding-DNA position 9071, T replaced by G.
Protein change: p.Leu3024Trp; replaces leucine 3024 with tryptophan.
Molecular consequence: missense variant.
Genome position (GRCh38, 1-based): chr5:13,777,236, A>C on the plus strand (T>G on the coding strand, the complement: DNAH5 is on the minus strand). VCF-style: chr5-13777236-A-C. GRCh37 (hg19) VCF-style: chr5-13777345-A-C.
Other names: short protein forms L3024W.
Identifiers: ClinVar variation 2058799 (VCV002058799.2), dbSNP rs2546681874, ClinGen allele CA359210465.